The following is an entry in ClinVar:

ClinVar aggregate classification (germline): Uncertain significance. Review status: criteria provided, multiple submitters, no conflicts (2 of 4 stars). 2 submissions from 2 submitters: Uncertain significance (2). Last evaluated 2025-09-04.

Conditions:
Inborn genetic diseases. Identifiers: MedGen C0950123, MeSH D030342.

gnomAD v4.1: 20 of 1,614,030 alleles (0.0012%); highest among the groups gnomAD compares: Non-Finnish European, 0.0015%; no homozygotes.

Submissions (2):

Labcorp Genetics (formerly Invitae), Labcorp
Classification: Uncertain significance. Last evaluated: 2025-09-04. Review status: criteria provided, single submitter. Criteria: Invitae Variant Classification Sherloc (09022015). Collection method: clinical testing. Allele origin: germline.
Comment: This sequence change replaces glycine, which is neutral and non-polar, with glutamic acid, which is acidic and polar, at codon 316 of the COL7A1 protein (p.Gly316Glu). This variant is not present in population databases (gnomAD no frequency). This variant has not been reported in the literature in individuals affected with COL7A1-related conditions. Invitae Evidence Modeling of protein sequence and biophysical properties (such as structural, functional, and spatial information, amino acid conservation, physicochemical variation, residue mobility, and thermodynamic stability) indicates that this missense variant is not expected to disrupt COL7A1 protein function with a negative predictive value of 95%. In summary, the available evidence is currently insufficient to determine the role of this variant in disease. Therefore, it has been classified as a Variant of Uncertain Significance.

Ambry Genetics
Classification: Uncertain significance for Inborn genetic diseases. Last evaluated: 2025-07-15. Review status: criteria provided, single submitter. Criteria: Ambry Variant Classification Scheme 2023. Collection method: clinical testing. Allele origin: germline.

NM_000094.4(COL7A1):c.947G>A (p.Gly316Glu)

Gene: COL7A1 (collagen type VII alpha 1 chain; minus strand). Cytogenetic location: 3p21.31.
Variant type: single nucleotide variant.
Coding change: c.947G>A on transcript NM_000094.4 (MANE Select); coding-DNA position 947, G replaced by A.
Protein change: p.Gly316Glu; replaces glycine 316 with glutamic acid.
Molecular consequence: missense variant.
Genome position (GRCh38, 1-based): chr3:48,592,599, C>T on the plus strand (G>A on the coding strand, the complement: COL7A1 is on the minus strand). VCF-style: chr3-48592599-C-T. GRCh37 (hg19) VCF-style: chr3-48630032-C-T.
Other names: short protein forms G316E.
Identifiers: ClinVar variation 4232572 (VCV004232572.2).